The following is an entry in ClinVar:

ClinVar aggregate classification (germline): Uncertain significance (1 of 4 stars; one submission).

Allele frequency attached by ClinVar (database versions not stated): gnomAD exomes below 0.00001; gnomAD 0.00001; TOPMed 0.00001.
gnomAD v4.1: 6 of 1,613,594 alleles (0.00037%); highest among the groups gnomAD compares: African/African-American, 0.004%; no homozygotes.

Submission:

Labcorp Genetics (formerly Invitae), Labcorp
Classification: Uncertain significance. Last evaluated: 2023-10-11. Review status: criteria provided, single submitter. Criteria: Invitae Variant Classification Sherloc (09022015). Collection method: clinical testing. Allele origin: germline.
Comment: This sequence change falls in intron 6 of the IKZF1 gene. It does not directly change the encoded amino acid sequence of the IKZF1 protein. This variant is present in population databases (rs549938582, gnomAD 0.01%). This variant has not been reported in the literature in individuals affected with IKZF1-related conditions. Experimental studies and prediction algorithms are not available or were not evaluated, and the effect of this variant on mRNA splicing is currently unknown. In summary, the available evidence is currently insufficient to determine the role of this variant in disease. Therefore, it has been classified as a Variant of Uncertain Significance.

NM_006060.6(IKZF1):c.716-11T>G

Gene: IKZF1 (IKAROS family zinc finger 1; plus strand). Cytogenetic location: 7p12.2.
Variant type: single nucleotide variant.
Coding change: c.716-11T>G on transcript NM_006060.6 (MANE Select); 11 bases into the intron before coding-DNA position 716, T replaced by G.
Molecular consequence: intron variant.
Genome position (GRCh38, 1-based): chr7:50,391,718, T>G. VCF-style: chr7-50391718-T-G. GRCh37 (hg19) VCF-style: chr7-50459416-T-G.
Other names: c.776-11T>G (NM_001410879.1); c.329-11T>G (NM_001291839.2, NM_001220770.2); c.590-11T>G (NM_001220765.3, NM_001291837.2); c.455-11T>G (NM_001291838.2, NM_001220767.2); c.590-8200T>G (NM_001220768.2); c.422-8200T>G (NM_001220771.2); c.287-11T>G (NM_001291841.1, NM_001291842.1); c.161-11T>G (NM_001291843.1, NM_001291844.1); and 1 more.
Identifiers: ClinVar variation 2869759 (VCV002869759.3), dbSNP rs549938582, ClinGen allele CA158219771.
Genomic context (GRCh38, chr7:50,391,718, plus strand): 5'-TTAACATTGGACGCGACTGAACCCTTTAAACATAAGCCTTTCTAAACTGGCCTCTCTGTC[T>G]TTGACTTTAGTCATTAAAGAAGAAACTAATCACAGTGAAATGGCAGAAGACCTGTGCAAG-3'